The following is an entry in ClinVar:

ClinVar aggregate classification (germline): Likely benign. Review status: criteria provided, multiple submitters, no conflicts (2 of 4 stars). 5 submissions from 5 submitters: Likely benign (4). 1 of the submissions does not count toward it. Last evaluated 2024-02-22.

Conditions:
PCNT-related disorder. Also called: PCNT-related condition.

Allele frequency attached by ClinVar (database versions not stated): gnomAD exomes 0.00004 and 0.00006; ExAC 0.00005; gnomAD 0.00008 and 0.00009; TOPMed 0.00011; ESP Exome Variant Server 0.00023.
gnomAD v4.1: 98 of 1,614,152 alleles (0.0061%); highest among the groups gnomAD compares: African/African-American, 0.02%; no homozygotes.

Submissions (5):

Labcorp Genetics (formerly Invitae), Labcorp
Classification: Likely benign. Last evaluated: 2024-02-22. Review status: criteria provided, single submitter. Criteria: Invitae Variant Classification Sherloc (09022015). Collection method: clinical testing. Allele origin: germline.

Blueprint Genetics
Classification: Likely benign. Last evaluated: 2023-12-20. Review status: criteria provided, single submitter. Criteria: ACMG Guidelines, 2015. Collection method: clinical testing. Allele origin: germline.

GeneDx
Classification: Likely benign. Last evaluated: 2018-11-29. Review status: criteria provided, single submitter. Criteria: GeneDx Variant Classification Process June 2021. Collection method: clinical testing. Allele origin: germline. Affected: yes.

Genetic Services Laboratory, University of Chicago
Classification: Likely benign. Last evaluated: 2016-09-15. Review status: criteria provided, single submitter. Criteria: ACMG Guidelines, 2015. Collection method: clinical testing. Allele origin: germline. Affected: no.

PreventionGenetics, part of Exact Sciences
Classification: Likely benign for PCNT-related condition. Last evaluated: 2023-08-28. Review status: no assertion criteria provided. Collection method: clinical testing. Allele origin: germline. Not counted in ClinVar's aggregate classification.
Comment: This variant is classified as likely benign based on ACMG/AMP sequence variant interpretation guidelines (Richards et al. 2015 PMID: 25741868, with internal and published modifications).

NM_006031.6(PCNT):c.6348C>T (p.Asp2116=)

Gene: PCNT (pericentrin; plus strand). Cytogenetic location: 21q22.3.
Variant type: single nucleotide variant.
Coding change: c.6348C>T on transcript NM_006031.6 (MANE Select); coding-DNA position 6348, C replaced by T.
Protein change: p.Asp2116=; no amino-acid change (aspartic acid 2116 retained).
Molecular consequence: synonymous variant.
Genome position (GRCh38, 1-based): chr21:46,416,266, C>T. VCF-style: chr21-46416266-C-T. GRCh37 (hg19) VCF-style: chr21-47836180-C-T.
Other names: c.5994C>T, p.Asp1998= (NM_001315529.2).
Identifiers: ClinVar variation 436209 (VCV000436209.15), dbSNP rs144430478, ClinGen allele CA10080311.